The following is an entry in ClinVar:

ClinVar aggregate classification (germline): Likely benign. Review status: criteria provided, multiple submitters, no conflicts (2 of 4 stars). 4 submissions from 4 submitters: Likely benign (3). 1 of the submissions does not count toward it. Last evaluated 2025-12-30.

Conditions:
Inborn genetic diseases. Identifiers: MedGen C0950123, MeSH D030342.
Congenital myasthenic syndrome 18. Also called: MYASTHENIC SYNDROME, CONGENITAL, 18, WITH INTELLECTUAL DISABILITY AND ATAXIA. Identifiers: Orphanet 590, MedGen C4225364, MONDO:0014590, OMIM 616330.
SNAP25-related disorder.

Allele frequency attached by ClinVar (database versions not stated): gnomAD exomes 0.00004 and 0.00008; ExAC 0.00014; 1000 Genomes Project 30x 0.00016; 1000 Genomes Project 0.00020; ESP Exome Variant Server 0.00023; gnomAD 0.00036 and 0.00040; TOPMed 0.00042.
gnomAD v4.1: 113 of 1,603,960 alleles (0.007%); highest among the groups gnomAD compares: African/African-American, 0.13%; no homozygotes.

Submissions (4):

Labcorp Genetics (formerly Invitae), Labcorp
Classification: Likely benign for Congenital myasthenic syndrome 18. Last evaluated: 2025-12-30. Review status: criteria provided, single submitter. Criteria: Invitae Variant Classification Sherloc (09022015). Collection method: clinical testing. Allele origin: germline.

Ambry Genetics
Classification: Likely benign for Inborn genetic diseases. Last evaluated: 2017-01-19. Review status: criteria provided, single submitter. Criteria: Ambry Variant Classification Scheme 2023. Collection method: clinical testing. Allele origin: germline.

Breakthrough Genomics
Classification: Likely benign. Review status: criteria provided, single submitter. Criteria: ACMG Guidelines, 2015. Collection method: not provided. Allele origin: germline. Inheritance: Autosomal dominant inheritance. Affected: yes.

PreventionGenetics, part of Exact Sciences
Classification: Likely benign for SNAP25-related condition. Last evaluated: 2019-08-12. Review status: no assertion criteria provided. Collection method: clinical testing. Allele origin: germline. Not counted in ClinVar's aggregate classification.
Comment: This variant is classified as likely benign based on ACMG/AMP sequence variant interpretation guidelines (Richards et al. 2015 PMID: 25741868, with internal and published modifications).

NM_130811.4(SNAP25):c.6C>T (p.Ala2=)

Gene: SNAP25 (synaptosome associated protein 25; plus strand). Cytogenetic location: 20p12.2.
Variant type: single nucleotide variant.
Coding change: c.6C>T on transcript NM_130811.4 (MANE Select); coding-DNA position 6, C replaced by T.
Protein change: p.Ala2=; no amino-acid change (alanine 2 retained).
Molecular consequence: synonymous variant.
Genome position (GRCh38, 1-based): chr20:10,275,497, C>T. VCF-style: chr20-10275497-C-T. GRCh37 (hg19) VCF-style: chr20-10256145-C-T.
Other names: c.6C>T, p.Ala2= (NM_001322902.2, NM_001322903.2, NM_001322904.2 and 7 more transcripts); c.6C>T (NM_130811.3).
Identifiers: ClinVar variation 542730 (VCV000542730.56), dbSNP rs11547858, ClinGen allele CA9763236.